The following is an entry in ClinVar:

ClinVar aggregate classification (germline): Pathogenic (1 of 4 stars; one submission).

Conditions:
Capillary malformation-arteriovenous malformation syndrome. Also called: Capillary malformation-arteriovenous malformation. Identifiers: Orphanet 137667, MedGen C1842180, MONDO:0012016.

Submission:

Labcorp Genetics (formerly Invitae), Labcorp
Classification: Pathogenic for Capillary malformation-arteriovenous malformation syndrome. Last evaluated: 2023-02-20. Review status: criteria provided, single submitter. Criteria: Invitae Variant Classification Sherloc (09022015). Collection method: clinical testing. Allele origin: germline.
Comment: This variant has not been reported in the literature in individuals affected with RASA1-related conditions. Algorithms developed to predict the effect of sequence changes on RNA splicing suggest that this variant may disrupt the consensus splice site. This variant disrupts a region of the RASA1 protein in which other variant(s) (p.Gln1019*) have been determined to be pathogenic (PMID: 24038909; Invitae). This suggests that this is a clinically significant region of the protein, and that variants that disrupt it are likely to be disease-causing. For these reasons, this variant has been classified as Pathogenic. This sequence change creates a premature translational stop signal (p.Asp1007Glufs*2) in the RASA1 gene. While this is not anticipated to result in nonsense mediated decay, it is expected to disrupt the last 41 amino acid(s) of the RASA1 protein. This variant is not present in population databases (gnomAD no frequency).

Literature cited by the submitters: PubMed 24038909.

NM_002890.3(RASA1):c.3020_3021insATGA (p.Asp1007delinsGluTer)

Genes: CCNH (cyclin H; minus strand), RASA1 (RAS p21 protein activator 1; plus strand). Cytogenetic location: 5q14.3.
Variant type: Insertion.
Coding change: c.3020_3021insATGA on transcript NM_002890.3 (MANE Select); coding-DNA positions 3020 to 3021, ATGA inserted.
Protein change: p.Asp1007delinsGluTer.
Molecular consequence: nonsense. On other transcripts: intron variant (1).
Genome position: GRCh38 VCF-style: chr5-87389485-A-AGAAT. GRCh37 (hg19) VCF-style: chr5-86685302-A-AGAAT.
Other names: c.2489_2490insATGA, p.Asp830delinsGluTer (NM_022650.3); c.933+5558_933+5559insTCAT (NM_001364075.2).
Identifiers: ClinVar variation 2839144 (VCV002839144.3), dbSNP rs2531396312, ClinGen allele CA2739274925.